The following is an entry in ClinVar:

ClinVar aggregate classification (germline): Uncertain significance. Review status: criteria provided, single submitter (1 of 4 stars). 2 submissions from 2 submitters: Uncertain significance (1). 1 of the submissions does not count toward it. Last evaluated 2025-02-13.

Conditions:
Sialuria. Also called: SIALURIA, FRENCH TYPE; Sialic Acid Storage Disease. Identifiers: Orphanet 3166, MedGen C0342853, MONDO:0010028, OMIM 269921.
GNE myopathy (NM). Also called: NONAKA DISTAL MYOPATHY; MYOPATHY, DISTAL, WITH OR WITHOUT RIMMED VACUOLES; INCLUSION BODY MYOPATHY, HEREDITARY, AUTOSOMAL RECESSIVE; INCLUSION BODY MYOPATHY 2, AUTOSOMAL RECESSIVE; IBM 2; Inclusion body myopathy autosomal recessive. Identifiers: Orphanet 602, MedGen C1853926, MONDO:0011603, OMIM 605820.

Submissions (2):

Labcorp Genetics (formerly Invitae), Labcorp
Classification: Uncertain significance for Sialuria; GNE myopathy. Last evaluated: 2025-02-13. Review status: criteria provided, single submitter. Criteria: Invitae Variant Classification Sherloc (09022015). Collection method: clinical testing. Allele origin: germline.
Comment: This sequence change replaces glutamic acid, which is acidic and polar, with aspartic acid, which is acidic and polar, at codon 475 of the GNE protein (p.Glu475Asp). This variant is not present in population databases (gnomAD no frequency). This variant has not been reported in the literature in individuals affected with GNE-related conditions. ClinVar contains an entry for this variant (Variation ID: 460453). Invitae Evidence Modeling of protein sequence and biophysical properties (such as structural, functional, and spatial information, amino acid conservation, physicochemical variation, residue mobility, and thermodynamic stability) has been performed for this missense variant. However, the output from this modeling did not meet the statistical confidence thresholds required to predict the impact of this variant on GNE protein function. In summary, the available evidence is currently insufficient to determine the role of this variant in disease. Therefore, it has been classified as a Variant of Uncertain Significance.

Natera, Inc.
Classification: Uncertain significance for Nonaka myopathy. Last evaluated: 2020-11-05. Review status: no assertion criteria provided. Collection method: clinical testing. Allele origin: germline. Not counted in ClinVar's aggregate classification.

NM_005476.7(GNE):c.1332G>C (p.Glu444Asp)

Gene: GNE (glucosamine (UDP-N-acetyl)-2-epimerase/N-acetylmannosamine kinase; minus strand). Cytogenetic location: 9p13.3.
Variant type: single nucleotide variant.
Coding change: c.1332G>C on transcript NM_005476.7 (MANE Select); coding-DNA position 1332, G replaced by C.
Protein change: p.Glu444Asp; replaces glutamic acid 444 with aspartic acid.
Molecular consequence: missense variant.
Genome position (GRCh38, 1-based): chr9:36,223,452, C>G on the plus strand (G>C on the coding strand, the complement: GNE is on the minus strand). VCF-style: chr9-36223452-C-G. GRCh37 (hg19) VCF-style: chr9-36223449-C-G.
Other names: c.1425G>C, p.Glu475Asp (NM_001128227.3); c.1332G>C, p.Glu444Asp (NM_001190383.3); c.1002G>C, p.Glu334Asp (NM_001190384.3); c.1155G>C, p.Glu385Asp (NM_001190388.2, NM_001374798.1); c.1179G>C, p.Glu393Asp (NM_001374797.1); short protein forms E475D, E444D, E334D, E393D, E385D.
Identifiers: ClinVar variation 460453 (VCV000460453.11), dbSNP rs1554659040, ClinGen allele CA373427419.